The following is an entry in ClinVar:

ClinVar aggregate classification (germline): Uncertain significance (1 of 4 stars; one submission).

Allele frequency attached by ClinVar (database versions not stated): gnomAD exomes 0.00001.
gnomAD v4.1: 10 of 1,457,164 alleles (0.00069%); highest among the groups gnomAD compares: Non-Finnish European, 0.00082%; no homozygotes.

Submission:

Labcorp Genetics (formerly Invitae), Labcorp
Classification: Uncertain significance. Last evaluated: 2025-10-23. Review status: criteria provided, single submitter. Criteria: Invitae Variant Classification Sherloc (09022015). Collection method: clinical testing. Allele origin: germline.
Comment: This sequence change replaces proline, which is neutral and non-polar, with serine, which is neutral and polar, at codon 91 of the ARIH1 protein (p.Pro91Ser). This variant is not present in population databases (gnomAD no frequency). This variant has not been reported in the literature in individuals affected with ARIH1-related conditions. ClinVar contains an entry for this variant (Variation ID: 2893788). An algorithm developed to predict the effect of missense changes on protein structure and function (PolyPhen-2) suggests that this variant is likely to be tolerated. In summary, the available evidence is currently insufficient to determine the role of this variant in disease. Therefore, it has been classified as a Variant of Uncertain Significance.

NM_005744.5(ARIH1):c.271C>T (p.Pro91Ser)

Gene: ARIH1 (ariadne RBR E3 ubiquitin protein ligase 1; plus strand). Cytogenetic location: 15q24.1.
Variant type: single nucleotide variant.
Coding change: c.271C>T on transcript NM_005744.5 (MANE Select); coding-DNA position 271, C replaced by T.
Protein change: p.Pro91Ser; replaces proline 91 with serine.
Molecular consequence: missense variant.
Genome position (GRCh38, 1-based): chr15:72,474,910, C>T. VCF-style: chr15-72474910-C-T. GRCh37 (hg19) VCF-style: chr15-72767251-C-T.
Other names: short protein forms P91S.
Identifiers: ClinVar variation 2893788 (VCV002893788.3), dbSNP rs1375923364, ClinGen allele CA393237100.
Genomic context (GRCh38, chr15:72,474,910, plus strand): 5'-GGCAGCGCTCTGGGGCCCGGCGGTGGCGGCGGCGGCGGCGGCGGCGGTGGTGGTGGCGGG[C>T]CGGGGCATGAGCAGGAGGAGGATTACCGCTACGAGGTGCTCACGGCCGAGCAGATTCTAC-3'
Protein context (NP_005735.2, residues 81-101): GGGGGGGGGG[Pro91Ser]GHEQEEDYRY